The following is an entry in ClinVar:

NM_001846.4(COL4A2):c.290G>A (p.Gly97Glu)

Gene: COL4A2 (collagen type IV alpha 2 chain; plus strand). Cytogenetic location: 13q34.
Variant type: single nucleotide variant.
Coding change: c.290G>A on transcript NM_001846.4 (MANE Select); coding-DNA position 290, G replaced by A.
Protein change: p.Gly97Glu; replaces glycine 97 with glutamic acid.
Molecular consequence: missense variant.
Genome position (GRCh38, 1-based): chr13:110,424,843, G>A. VCF-style: chr13-110424843-G-A. GRCh37 (hg19) VCF-style: chr13-111077190-G-A.
Other names: short protein forms G97E.
Identifiers: ClinVar variation 521905 (VCV000521905.39), dbSNP rs749501904, ClinGen allele CA7048824.

ClinVar aggregate classification (germline): Uncertain significance. Review status: criteria provided, multiple submitters, no conflicts (2 of 4 stars). 4 submissions from 4 submitters: Uncertain significance (4). Last evaluated 2026-01-12.

Conditions:
Brain small vessel disease 2A, autosomal dominant. Also called: Porencephaly 2. Identifiers: Orphanet 2940, Orphanet 99810, MedGen C3280970, MONDO:0013773, OMIM 614483.
Inborn genetic diseases. Identifiers: MedGen C0950123, MeSH D030342.

Allele frequency attached by ClinVar (database versions not stated): TOPMed 0.00002; ExAC 0.00003; gnomAD 0.00005; gnomAD exomes 0.00006.
gnomAD v4.1: 90 of 1,614,022 alleles (0.0056%); highest among the groups gnomAD compares: Non-Finnish European, 0.0061%; no homozygotes.

Submissions (4):

Labcorp Genetics (formerly Invitae), Labcorp
Classification: Uncertain significance. Last evaluated: 2026-01-12. Review status: criteria provided, single submitter. Criteria: Invitae Variant Classification Sherloc (09022015). Collection method: clinical testing. Allele origin: germline.
Comment: This sequence change replaces glycine, which is neutral and non-polar, with glutamic acid, which is acidic and polar, at codon 97 of the COL4A2 protein (p.Gly97Glu). This variant is present in population databases (rs749501904, gnomAD 0.03%). This variant has not been reported in the literature in individuals affected with COL4A2-related conditions. ClinVar contains an entry for this variant (Variation ID: 521905). Invitae Evidence Modeling of protein sequence and biophysical properties (such as structural, functional, and spatial information, amino acid conservation, physicochemical variation, residue mobility, and thermodynamic stability) indicates that this missense variant is expected to disrupt COL4A2 protein function with a positive predictive value of 80%. In summary, the available evidence is currently insufficient to determine the role of this variant in disease. Therefore, it has been classified as a Variant of Uncertain Significance.

Victorian Clinical Genetics Services, Murdoch Childrens Research Institute
Classification: Uncertain significance for Brain small vessel disease 2A, autosomal dominant. Last evaluated: 2025-03-20. Review status: criteria provided, single submitter. Criteria: ACMG Guidelines, 2015. Collection method: clinical testing. Allele origin: germline. Affected: yes.
Comment: This variant is classified as VUS-3A. Evidence in support of pathogenic classification: Variant is present in gnomAD <0.001 for a dominant condition (v4: 90 heterozygote(s), 0 homozygote(s)) ; Variant is located in the well-established Gly-X-Y motif in the collagen triple helical domain (DECIPHER); Missense variant predicted to be damaging by in silico tool(s) or highly conserved with a major amino acid change. Additional information: Variant is predicted to result in a missense amino acid change from glycine to glutamic acid; This variant is heterozygous; This gene is associated with autosomal dominant disease. However, there is emerging evidence of biallelic inheritance leading to intellectual disability, epilepsy, and spastic cerebral palsy (PMID: 33912663); Alternative amino acid change(s) at the same position are present in gnomAD (Highest allele count: v4: 38 heterozygote(s), 0 homozygote(s)); Previous evidence of pathogenicity for this variant is inconclusive. This variant has been classified as a VUS by clinical laboratories in ClinVar. It has also been reported in the literature in a heterozygous state in an individual with suspected CADASIL, and in an individual from a cohort with intellectual disability and global developmental delay (PMIDs: 39743006, 38539105); No published segregation evidence has been identified for this variant; No published functional evidence has been identified for this variant; Another missense variant comparable to the one identified in this case has inconclusive previous evidence for pathogenicity. The p.(Gly97Arg) variant has been reported in the literature as a VUS in a heterozygous state in an individual from an ischemic stroke cohort (PMID: 36973604); The mechanism of disease for this gene is not clearly established. The mechanism resembles that of the COL4A1 gene, including loss of function and dominant negative, with the latter resulting from glycine substitutions in the G-X-Y motif (PMIDs: 22209246, 22209247, 24001601); The condition associated with this gene has incomplete penetrance (OMIM, PMID: 33912663); Variants in this gene are known to have variable expressivity (PMID: 27794444); Inheritance information for this variant is not currently available in this individual.

CeGaT Center for Human Genetics Tuebingen
Classification: Uncertain significance. Last evaluated: 2022-10-01. Review status: criteria provided, single submitter. Criteria: CeGaT Center For Human Genetics Tuebingen Variant Classification Criteria Version 2. Collection method: clinical testing. Allele origin: germline. Affected: yes. Observed: 2 variant alleles.
Comment: COL4A2: PP3

Ambry Genetics
Classification: Uncertain significance for Inborn genetic diseases. Last evaluated: 2017-07-20. Review status: criteria provided, single submitter. Criteria: Ambry exome assertion method (8-5-2015). Collection method: clinical testing. Allele origin: germline. Affected: yes. Observed: 1 variant allele.

Literature cited by the submitters: PubMed 36973604 (cited by Victorian Clinical Genetics Services, Murdoch Childrens Research Institute); PubMed 33912663 (cited by Victorian Clinical Genetics Services, Murdoch Childrens Research Institute); PubMed 39743006 (cited by Victorian Clinical Genetics Services, Murdoch Childrens Research Institute); PubMed 38539105 (cited by Victorian Clinical Genetics Services, Murdoch Childrens Research Institute); PubMed 22209247 (cited by Victorian Clinical Genetics Services, Murdoch Childrens Research Institute); PubMed 27794444 (cited by Victorian Clinical Genetics Services, Murdoch Childrens Research Institute); PubMed 24001601 (cited by Victorian Clinical Genetics Services, Murdoch Childrens Research Institute); PubMed 22209246 (cited by Victorian Clinical Genetics Services, Murdoch Childrens Research Institute).